The following is an entry in ClinVar:

ClinVar aggregate classification (germline): Uncertain significance (1 of 4 stars; one submission).

Conditions:
Autosomal recessive limb-girdle muscular dystrophy type 2J (LGMDR10). Also called: Limb-girdle muscular dystrophy, type 2J; MUSCULAR DYSTROPHY, LIMB-GIRDLE, AUTOSOMAL RECESSIVE 10. Identifiers: Orphanet 140922, MedGen C1837342, MONDO:0012127, OMIM 608807.
Dilated cardiomyopathy 1G (CMD1G). Identifiers: Orphanet 154, MedGen C1858763, MONDO:0011400, OMIM 604145.

gnomAD v4.1: 1 of 1,613,966 alleles (0.000062%); highest among the groups gnomAD compares: East Asian, 0.0022%; no homozygotes.

Submission:

Labcorp Genetics (formerly Invitae), Labcorp
Classification: Uncertain significance for Dilated cardiomyopathy 1G; Autosomal recessive limb-girdle muscular dystrophy type 2J. Last evaluated: 2025-01-23. Review status: criteria provided, single submitter. Criteria: Invitae Variant Classification Sherloc (09022015). Collection method: clinical testing. Allele origin: germline.
Comment: This sequence change replaces lysine, which is basic and polar, with asparagine, which is neutral and polar, at codon 34736 of the TTN protein (p.Lys34736Asn). This variant is not present in population databases (gnomAD no frequency). This variant has not been reported in the literature in individuals affected with TTN-related conditions. Experimental studies and prediction algorithms are not available or were not evaluated, and the functional significance of this variant is currently unknown. This variant is located in the M band of TTN (PMID: 25589632). Non-truncating variants in this region may be relevant for neuromuscular disorders, but have not been definitively shown to cause cardiomyopathy (PMID: 23975875). In summary, the available evidence is currently insufficient to determine the role of this variant in disease. Therefore, it has been classified as a Variant of Uncertain Significance.

Literature cited by the submitters: PubMed 25589632; PubMed 23975875.

NM_001267550.2(TTN):c.104208G>C (p.Lys34736Asn)

Genes: TTN (titin; minus strand), TTN-AS1 (TTN antisense RNA 1; plus strand). Cytogenetic location: 2q31.2.
Variant type: single nucleotide variant.
Coding change: c.104208G>C on transcript NM_001267550.2 (MANE Select); coding-DNA position 104208, G replaced by C.
Protein change: p.Lys34736Asn; replaces lysine 34736 with asparagine.
Molecular consequence: missense variant.
Genome position (GRCh38, 1-based): chr2:178,532,407, C>G on the plus strand (G>C on the coding strand, the complement: TTN is on the minus strand). VCF-style: chr2-178532407-C-G. GRCh37 (hg19) VCF-style: chr2-179397134-C-G.
Other names: c.99285G>C, p.Lys33095Asn (NM_001256850.1); c.77013G>C, p.Lys25671Asn (NM_003319.4); c.96504G>C, p.Lys32168Asn (NM_133378.4); c.77388G>C, p.Lys25796Asn (NM_133432.3); c.77589G>C, p.Lys25863Asn (NM_133437.4); short protein forms K25671N, K25796N, K25863N, K32168N, K33095N, K34736N.
Identifiers: ClinVar variation 3751612 (VCV003751612.2).
Genomic context (GRCh38, chr2:178,532,407, plus strand): 5'-TCTGTACGCAGCCTGGGCATGCCGTTCCCTCAGTTCTGCATAACTTGTACTAGCTTCAGC[C>G]TTCGTTGGGATGTGATAGGTTGAATACCTGAAGTCTTTTCTTGTTTCCTCCACCTTGACA-3'
Protein context (NP_001254479.2, residues 34726-34746): FRYSTYHIPT[Lys34736Asn]AEASTSYAEL